The following is an entry in ClinVar:

NM_000540.3(RYR1):c.800+6G>A

Gene: RYR1 (ryanodine receptor 1; plus strand). Cytogenetic location: 19q13.2.
Variant type: single nucleotide variant.
Coding change: c.800+6G>A on transcript NM_000540.3 (MANE Select); 6 bases into the intron after coding-DNA position 800, G replaced by A.
Molecular consequence: intron variant.
Genome position (GRCh38, 1-based): chr19:38,446,774, G>A. VCF-style: chr19-38446774-G-A. GRCh37 (hg19) VCF-style: chr19-38937414-G-A.
Other names: c.800+6G>A (NM_001042723.2).
Identifiers: ClinVar variation 4757757 (VCV004757757.1).

ClinVar aggregate classification (germline): Uncertain significance (1 of 4 stars; one submission).

Conditions:
Malignant hyperthermia, susceptibility to, 1 (MHS1). Also called: RYR1-Related Malignant Hyperthermia Susceptibility; Malignant hyperthermia suceptibility 1; Anesthesia related hyperthermia; Malignant hyperpyrexia; Fulminating hyperpyrexia; Pharmacogenic myopathy. Identifiers: Orphanet 423, MedGen C2930980, MONDO:0007783, OMIM 145600.

Submission:

Color Diagnostics, LLC DBA Color Health
Classification: Uncertain significance for Malignant hyperthermia, susceptibility to, 1. Last evaluated: 2025-07-20. Review status: criteria provided, single submitter. Criteria: ACMG Guidelines, 2015. Collection method: clinical testing. Allele origin: germline.
Comment: This variant causes a G to A nucleotide substitution at the +6 position of intron 9/105 of the RYR1 gene. To our knowledge, functional studies have not been reported for this variant. This variant has not been reported in individuals affected with RYR1-related disorders in the literature. This variant has not been identified in the general population by the Genome Aggregation Database (gnomAD). The available evidence is insufficient to determine the role of this variant in disease conclusively. Therefore, this variant is classified as a Variant of Uncertain Significance.